The following is an entry in ClinVar:

NM_052989.3(IFT122):c.2588A>G (p.Asp863Gly)

Gene: IFT122 (intraflagellar transport 122; plus strand). Cytogenetic location: 3q22.1.
Variant type: single nucleotide variant.
Coding change: c.2588A>G on transcript NM_052989.3 (MANE Select); coding-DNA position 2588, A replaced by G.
Protein change: p.Asp863Gly; replaces aspartic acid 863 with glycine.
Molecular consequence: missense variant.
Genome position (GRCh38, 1-based): chr3:129,504,359, A>G. VCF-style: chr3-129504359-A-G. GRCh37 (hg19) VCF-style: chr3-129223202-A-G.
Other names: c.2564A>G, p.Asp855Gly (NM_001280541.2); c.2138A>G, p.Asp713Gly (NM_001280545.2); c.1961A>G, p.Asp654Gly (NM_001280546.2); c.2588A>G, p.Asp863Gly (NM_001410808.1); c.2534A>G, p.Asp845Gly (NM_001410809.1); c.2411A>G, p.Asp804Gly (NM_001410810.1, NM_018262.4); c.2357A>G, p.Asp786Gly (NM_001410811.1, NM_001410813.1); c.2255A>G, p.Asp752Gly (NM_001410815.1, NM_052990.3); and 2 more; short protein forms D654G, D786G, D855G, D863G, D734G, D713G, D752G, D804G.
Identifiers: ClinVar variation 2770135 (VCV002770135.3), dbSNP rs2532474830, ClinGen allele CA354484046.

ClinVar aggregate classification (germline): Uncertain significance (1 of 4 stars; one submission).

Conditions:
Cranioectodermal dysplasia 1 (CED1). Also called: LEVIN SYNDROME I. Identifiers: Orphanet 1515, MedGen C0432235, MONDO:0021093, OMIM 218330.

Submission:

Labcorp Genetics (formerly Invitae), Labcorp
Classification: Uncertain significance for Cranioectodermal dysplasia 1. Last evaluated: 2024-01-19. Review status: criteria provided, single submitter. Criteria: Invitae Variant Classification Sherloc (09022015). Collection method: clinical testing. Allele origin: germline.
Comment: This sequence change replaces aspartic acid, which is acidic and polar, with glycine, which is neutral and non-polar, at codon 914 of the IFT122 protein (p.Asp914Gly). This variant is not present in population databases (gnomAD no frequency). This variant has not been reported in the literature in individuals affected with IFT122-related conditions. Advanced modeling of protein sequence and biophysical properties (such as structural, functional, and spatial information, amino acid conservation, physicochemical variation, residue mobility, and thermodynamic stability) performed at Invitae indicates that this missense variant is not expected to disrupt IFT122 protein function with a negative predictive value of 80%. In summary, the available evidence is currently insufficient to determine the role of this variant in disease. Therefore, it has been classified as a Variant of Uncertain Significance.